The following is an entry in ClinVar:

ClinVar aggregate classification (germline): Uncertain significance (1 of 4 stars; one submission).

Conditions:
CHARGE syndrome (CHARGE). Also called: Hittner Hirsch Kreh syndrome; CHARGE ASSOCIATION--COLOBOMA, HEART ANOMALY, CHOANAL ATRESIA, RETARDATION, GENITAL AND EAR ANOMALIES; Coloboma, heart anomaly, choanal atresia, retardation, genital and ear anomalies; CHARGE association; Hall-Hittner syndrome. Identifiers: Orphanet 138, MedGen C0265354, MONDO:0008965.

Submission:

Labcorp Genetics (formerly Invitae), Labcorp
Classification: Uncertain significance for CHARGE syndrome. Last evaluated: 2022-11-26. Review status: criteria provided, single submitter. Criteria: Invitae Variant Classification Sherloc (09022015). Collection method: clinical testing. Allele origin: germline.
Comment: This variant has not been reported in the literature in individuals affected with CHD7-related conditions. This sequence change replaces lysine, which is basic and polar, with asparagine, which is neutral and polar, at codon 1800 of the CHD7 protein (p.Lys1800Asn). This variant is not present in population databases (gnomAD no frequency). Advanced modeling of protein sequence and biophysical properties (such as structural, functional, and spatial information, amino acid conservation, physicochemical variation, residue mobility, and thermodynamic stability) performed at Invitae indicates that this missense variant is expected to disrupt CHD7 protein function. In summary, the available evidence is currently insufficient to determine the role of this variant in disease. Therefore, it has been classified as a Variant of Uncertain Significance.

NM_017780.4(CHD7):c.5400A>T (p.Lys1800Asn)

Gene: CHD7 (chromodomain helicase DNA binding protein 7; plus strand). Cytogenetic location: 8q12.2.
Variant type: single nucleotide variant.
Coding change: c.5400A>T on transcript NM_017780.4 (MANE Select); coding-DNA position 5400, A replaced by T.
Protein change: p.Lys1800Asn; replaces lysine 1800 with asparagine.
Molecular consequence: missense variant. On other transcripts: intron variant (1).
Genome position (GRCh38, 1-based): chr8:60,849,150, A>T. VCF-style: chr8-60849150-A-T. GRCh37 (hg19) VCF-style: chr8-61761709-A-T.
Other names: c.1717-13079A>T (NM_001316690.1); short protein forms K1800N.
Identifiers: ClinVar variation 2816866 (VCV002816866.3), dbSNP rs2488004539, ClinGen allele CA371321338.